The following is an entry in ClinVar:

NM_000090.4(COL3A1):c.3364-8C>G

Gene: COL3A1 (collagen type III alpha 1 chain; plus strand). Cytogenetic location: 2q32.2.
Variant type: single nucleotide variant.
Coding change: c.3364-8C>G on transcript NM_000090.4 (MANE Select); 8 bases into the intron before coding-DNA position 3364, C replaced by G.
Molecular consequence: intron variant.
Genome position (GRCh38, 1-based): chr2:189,007,877, C>G. VCF-style: chr2-189007877-C-G. GRCh37 (hg19) VCF-style: chr2-189872603-C-G.
Identifiers: ClinVar variation 3071593 (VCV003071593.1), dbSNP rs779073034, ClinGen allele CA62561653.

ClinVar aggregate classification (germline): Uncertain significance (1 of 4 stars; one submission).

Conditions:
Ehlers-Danlos syndrome, type 4 (EDSVASC). Also called: Ehlers-Danlos Syndrome Type IV; Ehlers-Danlos syndrome vascular type; Ehlers Danlos syndrome, ecchymotic type; Ehlers Danlos syndrome, arterial type; Ehlers Danlos syndrome, Sack-Barabas type. Identifiers: Orphanet 286, MedGen C0268338, MONDO:0017314, OMIM 130050.

Submission:

All of Us Research Program, National Institutes of Health
Classification: Uncertain significance for Ehlers-Danlos syndrome, type 4. Last evaluated: 2023-06-08. Review status: criteria provided, single submitter. Criteria: ACMG Guidelines, 2015. Collection method: clinical testing. Allele origin: germline. Inheritance: Autosomal dominant inheritance. Observed: 1 variant allele, 1 heterozygote.
Comment: This variant causes a C to G nucleotide substitution at the -8 position of intron 45 of the COL3A1 gene. To our knowledge, functional studies have not been reported for this variant. This variant has not been reported in individuals affected with COL3A1-related disorders in the literature. This variant has not been identified in the general population by the Genome Aggregation Database (gnomAD). The available evidence is insufficient to determine the role of this variant in disease conclusively. Therefore, this variant is classified as a Variant of Uncertain Significance.

This study involves interpretation of variants in research participants for the purpose of population health screening. Participant phenotype was not available at the time of variant classification. Additional details can be found in publication PMID: 35346344, PMCID: PMC8962531